The following is an entry in ClinVar:

NM_001009944.3(PKD1):c.6228G>A (p.Ser2076=)

Gene: PKD1 (polycystin 1, transient receptor potential channel interacting; minus strand). Cytogenetic location: 16p13.3.
Variant type: single nucleotide variant.
Coding change: c.6228G>A on transcript NM_001009944.3 (MANE Select); coding-DNA position 6228, G replaced by A.
Protein change: p.Ser2076=; no amino-acid change (serine 2076 retained).
Molecular consequence: synonymous variant.
Genome position (GRCh38, 1-based): chr16:2,108,939, C>T on the plus strand (G>A on the coding strand, the complement: PKD1 is on the minus strand). VCF-style: chr16-2108939-C-T. GRCh37 (hg19) VCF-style: chr16-2158940-C-T.
Other names: c.6228G>A, p.Ser2076= (NM_000296.4).
Identifiers: ClinVar variation 3048452 (VCV003048452.2), dbSNP rs375634036, ClinGen allele CA7831665.

ClinVar aggregate classification (germline): Likely benign (0 of 4 stars; one submission).

Conditions:
PKD1-related disorder. Also called: PKD1-related condition.

Allele frequency attached by ClinVar (database versions not stated): ESP Exome Variant Server 0.00008; gnomAD exomes 0.00009; ExAC 0.00013; TOPMed 0.00026.
gnomAD v4.1: 171 of 1,603,388 alleles (0.011%); highest among the groups gnomAD compares: African/African-American, 0.047%; no homozygotes.

Submission:

PreventionGenetics, part of Exact Sciences
Classification: Likely benign for PKD1-related condition. Last evaluated: 2019-12-16. Review status: no assertion criteria provided. Collection method: clinical testing. Allele origin: germline.
Comment: This variant is classified as likely benign based on ACMG/AMP sequence variant interpretation guidelines (Richards et al. 2015 PMID: 25741868, with internal and published modifications).